The following is an entry in ClinVar:

NM_002225.5(IVD):c.728T>C (p.Leu243Pro)

Gene: IVD (isovaleryl-CoA dehydrogenase; plus strand). Cytogenetic location: 15q15.1.
Variant type: single nucleotide variant.
Coding change: c.728T>C on transcript NM_002225.5 (MANE Select); coding-DNA position 728, T replaced by C.
Protein change: p.Leu243Pro; replaces leucine 243 with proline.
Molecular consequence: missense variant. On other transcripts: non-coding transcript variant (1).
Genome position (GRCh38, 1-based): chr15:40,413,031, T>C. VCF-style: chr15-40413031-T-C. GRCh37 (hg19) VCF-style: chr15-40705230-T-C.
Other names: c.638T>C, p.Leu213Pro (NM_001159508.3); c.680T>C, p.Leu227Pro (NM_001354597.3); c.728T>C, p.Leu243Pro (NM_001354598.3, NM_001354601.3); c.815T>C, p.Leu272Pro (NM_001354599.3, NM_001354600.3); short protein forms L213P, L227P, L243P, L272P.
Identifiers: ClinVar variation 4535573 (VCV004535573.1).

ClinVar aggregate classification (germline): Uncertain significance (1 of 4 stars; one submission).

Submission:

Women's Health and Genetics/Laboratory Corporation of America, LabCorp
Classification: Uncertain significance. Last evaluated: 2025-09-11. Review status: criteria provided, single submitter. Criteria: LabCorp Variant Classification Summary - May 2015. Collection method: clinical testing. Allele origin: germline.
Comment: Variant summary: IVD c.728T>C (p.Leu243Pro) results in a non-conservative amino acid change in the encoded protein sequence. Algorithms developed to predict the effect of missense changes on protein structure and function all suggest that this variant is likely to be disruptive. The variant was absent in 251488 control chromosomes. The available data on variant occurrences in the general population are insufficient to allow any conclusion about variant significance. c.728T>C has been observed in at least one individual affected with Isovaleryl-CoA Dehydrogenase Deficiency (example: Sakamoto_2015). This data does not allow any conclusion about variant significance. To our knowledge, no experimental evidence demonstrating an impact on protein function has been reported. The following publication has been ascertained in the context of this evaluation (PMID: 26018748). No submitters have cited clinical-significance assessments for this variant to ClinVar. Based on the evidence outlined above, the variant was classified as uncertain significance.

Literature cited by the submitters: PubMed 26018748; PubMed 36732323.